The following is an entry in ClinVar:

NM_001127222.2(CACNA1A):c.2352G>C (p.Gln784His)

Gene: CACNA1A (calcium voltage-gated channel subunit alpha1 A; minus strand). Cytogenetic location: 19p13.13.
Variant type: single nucleotide variant.
Coding change: c.2352G>C on transcript NM_001127222.2 (MANE Select); coding-DNA position 2352, G replaced by C.
Protein change: p.Gln784His; replaces glutamine 784 with histidine.
Molecular consequence: missense variant.
Genome position (GRCh38, 1-based): chr19:13,299,281, C>G on the plus strand (G>C on the coding strand, the complement: CACNA1A is on the minus strand). VCF-style: chr19-13299281-C-G. GRCh37 (hg19) VCF-style: chr19-13410095-C-G.
Other names: c.2364G>C, p.Gln788His (NM_000068.4, NM_023035.3); c.2355G>C, p.Gln785His (NM_001127221.2, NM_001174080.2); short protein forms Q784H, Q785H, Q788H.
Identifiers: ClinVar variation 1331181 (VCV001331181.37), dbSNP rs2144958118, ClinGen allele CA404343640.

ClinVar aggregate classification (germline): Uncertain significance. Review status: criteria provided, multiple submitters, no conflicts (2 of 4 stars). 3 submissions from 3 submitters: Uncertain significance (3). Last evaluated 2022-06-16.

Conditions:
Developmental and epileptic encephalopathy, 42 (DEE42A). Also called: Epileptic encephalopathy, early infantile, 42; DEVELOPMENTAL AND EPILEPTIC ENCEPHALOPATHY 42A; EPILEPTIC ENCEPHALOPATHY, EARLY INFANTILE, 42A. Identifiers: MedGen C4310716, MONDO:0014917, OMIM 617106.
Episodic ataxia type 2 (EA2). Also called: ATAXIA, EPISODIC, WITH NYSTAGMUS; ATAXIA, FAMILIAL PAROXYSMAL; CEREBELLAR ATAXIA, PAROXYSMAL, ACETAZOLAMIDE-RESPONSIVE; CEREBELLOPATHY, HEREDITARY PAROXYSMAL; EPISODIC ATAXIA, NYSTAGMUS-ASSOCIATED; ACETAZOLAMIDE-RESPONSIVE HEREDITARY PAROXYSMAL CEREBELLAR ATAXIA. Identifiers: Orphanet 97, MedGen C1720416, MONDO:0007163, OMIM 108500.

Allele frequency attached by ClinVar (database versions not stated): gnomAD exomes below 0.00001.
gnomAD v4.1: 1 of 1,604,542 alleles (0.000062%); highest among the groups gnomAD compares: Non-Finnish European, 0.000085%; no homozygotes.

Submissions (3):

Labcorp Genetics (formerly Invitae), Labcorp
Classification: Uncertain significance for Developmental and epileptic encephalopathy, 42; Episodic ataxia type 2. Last evaluated: 2022-06-16. Review status: criteria provided, single submitter. Criteria: Invitae Variant Classification Sherloc (09022015). Collection method: clinical testing. Allele origin: germline.
Comment: This sequence change replaces glutamine, which is neutral and polar, with histidine, which is basic and polar, at codon 785 of the CACNA1A protein (p.Gln785His). ClinVar contains an entry for this variant (Variation ID: 1331181). In summary, the available evidence is currently insufficient to determine the role of this variant in disease. Therefore, it has been classified as a Variant of Uncertain Significance. Advanced modeling of protein sequence and biophysical properties (such as structural, functional, and spatial information, amino acid conservation, physicochemical variation, residue mobility, and thermodynamic stability) performed at Invitae indicates that this missense variant is not expected to disrupt CACNA1A protein function. This variant has not been reported in the literature in individuals affected with CACNA1A-related conditions. This variant is not present in population databases (gnomAD no frequency).

CeGaT Center for Human Genetics Tuebingen
Classification: Uncertain significance. Last evaluated: 2022-05-01. Review status: criteria provided, single submitter. Criteria: CeGaT Center For Human Genetics Tuebingen Variant Classification Criteria Version 2. Collection method: clinical testing. Allele origin: germline. Affected: yes. Observed: 1 variant allele.
Comment: CACNA1A: PM2, PP2

GeneDx
Classification: Uncertain significance. Last evaluated: 2021-12-13. Review status: criteria provided, single submitter. Criteria: GeneDx Variant Classification Process June 2021. Collection method: clinical testing. Allele origin: germline. Affected: yes.
Comment: Not observed at significant frequency in large population cohorts (Lek et al., 2016); In silico analysis supports that this missense variant does not alter protein structure/function; Has not been previously published as pathogenic or benign to our knowledge